The following is an entry in ClinVar:

NM_001114753.3:c.976_1048del

Gene: ENG (endoglin; minus strand).
Variant type: Deletion.
Other names: c.976_1048del (NM_001114753.3).
Identifiers: ClinVar variation 4070526 (VCV004070526.1).

ClinVar aggregate classification (germline): Likely pathogenic (1 of 4 stars; one submission).

Conditions:
Telangiectasia, hereditary hemorrhagic, type 1 (HHT1). Also called: Osler Weber Rendu syndrome type 1; ENG-Related Hereditary Hemorrhagic Telangiectasia. Identifiers: Orphanet 774, MedGen C4551861, MONDO:0008535, OMIM 187300. Disease mechanism: loss of function.

Submission:

Impact Genetics, Dynacare/LabCorp
Classification: Likely pathogenic for Telangiectasia, hereditary hemorrhagic, type 1. Last evaluated: 2025-01-27. Review status: criteria provided, single submitter. Criteria: DeMille et al. (Hum Mutat. 2024). Collection method: clinical testing. Allele origin: germline.
Comment: PVS1, PM2_supporting